The following is an entry in ClinVar:

ClinVar aggregate classification (germline): Conflicting classifications of pathogenicity. Review status: criteria provided, conflicting classifications (1 of 4 stars). 6 submissions from 6 submitters: Uncertain significance (5); Likely benign (1). Last evaluated 2026-01-27.

Conditions:
Van Maldergem syndrome 2 (VMLDS2). Identifiers: Orphanet 314679, MedGen C3809875, MONDO:0014242, OMIM 615546.
Hennekam lymphangiectasia-lymphedema syndrome 2 (HKLLS2). Identifiers: Orphanet 2136, MedGen C4014939, MONDO:0014454, OMIM 616006.
Inborn genetic diseases. Identifiers: MedGen C0950123, MeSH D030342.

Allele frequency attached by ClinVar (database versions not stated): ExAC 0.00026; ESP Exome Variant Server 0.00038; gnomAD 0.00040 and 0.00041; gnomAD exomes 0.00043 and 0.00076; TOPMed 0.00050.
gnomAD v4.1: 1,152 of 1,613,908 alleles (0.071%); highest among the groups gnomAD compares: Non-Finnish European, 0.092%; 1 homozygote.

Submissions (6):

Labcorp Genetics (formerly Invitae), Labcorp
Classification: Likely benign. Last evaluated: 2026-01-27. Review status: criteria provided, single submitter. Criteria: Invitae Variant Classification Sherloc (09022015). Collection method: clinical testing. Allele origin: germline.

Clinical Genomics Laboratory, Washington University in St. Louis
Classification: Uncertain significance for Van Maldergem syndrome 2; Hennekam lymphangiectasia-lymphedema syndrome 2. Last evaluated: 2025-12-04. Review status: criteria provided, single submitter. Criteria: ACMG Guidelines, 2015. Collection method: clinical testing. Allele origin: germline.
Comment: A FAT4 c.12647G>A (p.Arg4216His) variant was identified at a heterozygous allelic fraction of 50.7%, a frequency which may be consistent with it being of germline origin. This variant, to our knowledge, has not been reported in the medical literature. It has been reported in the ClinVar database as a germline variant of uncertain significance by three submitters and likely benign by one submitter (Variation ID: 432221). This variant is observed on 1,152/1,613,908 alleles in the general population (gnomAD v4.1.0). Due to limited information, and based on ACMG/AMP guidelines for variant interpretation (Richards S et al., PMID: 25741868), the clinical significance of this variant is uncertain at this time.

Blueprint Genetics
Classification: Uncertain significance. Last evaluated: 2024-10-25. Review status: criteria provided, single submitter. Criteria: ACMG Guidelines, 2015. Collection method: clinical testing. Allele origin: germline.

GeneDx
Classification: Uncertain significance. Last evaluated: 2024-10-13. Review status: criteria provided, single submitter. Criteria: GeneDx Variant Classification Process June 2021. Collection method: clinical testing. Allele origin: germline. Affected: yes.
Comment: In silico analysis indicates that this missense variant does not alter protein structure/function; Has not been previously published as pathogenic or benign to our knowledge

Ambry Genetics
Classification: Uncertain significance for Inborn genetic diseases. Last evaluated: 2021-12-03. Review status: criteria provided, single submitter. Criteria: Ambry Variant Classification Scheme 2023. Collection method: clinical testing. Allele origin: germline.

Baylor Genetics
Classification: Uncertain significance for Hennekam lymphangiectasia-lymphedema syndrome 2. Last evaluated: 2018-05-30. Review status: criteria provided, single submitter. Criteria: ACMG Guidelines, 2015. Collection method: clinical testing. Allele origin: maternal. Affected: yes.
Comment: This variant was determined to be of uncertain significance according to ACMG Guidelines, 2015 [PMID:25741868].

Literature cited by the submitters: uncertain (cited by Clinical Genomics Laboratory, Washington University in St. Louis).

NM_001291303.3(FAT4):c.12647G>A (p.Arg4216His)

Gene: FAT4 (FAT atypical cadherin 4; plus strand). Cytogenetic location: 4q28.1.
Variant type: single nucleotide variant.
Coding change: c.12647G>A on transcript NM_001291303.3 (MANE Select); coding-DNA position 12647, G replaced by A.
Protein change: p.Arg4216His; replaces arginine 4216 with histidine.
Molecular consequence: missense variant.
Genome position (GRCh38, 1-based): chr4:125,481,563, G>A. VCF-style: chr4-125481563-G-A. GRCh37 (hg19) VCF-style: chr4-126402718-G-A.
Other names: c.12647G>A, p.Arg4216His (NM_001291285.3); c.12641G>A, p.Arg4214His (NM_024582.6); short protein forms R4214H, R4216H.
Identifiers: ClinVar variation 432221 (VCV000432221.17), dbSNP rs148170326, ClinGen allele CA3074164.
Genomic context (GRCh38, chr4:125,481,563, plus strand): 5'-TTTTCCTTTGACTTCCAGCTGTTACTCCTGACACTGCCTTATCATTAGAAGGCAAAGGGC[G>A]CTTGGACTACCACATGAGTCAGAATGAGAAGCGGGAATATTTGTTAAGGCAAAGCTTACG-3'
Protein context (NP_001278232.1, residues 4206-4226): DTALSLEGKG[Arg4216His]LDYHMSQNEK